The following is an entry in ClinVar:

NM_001321439.2(YIPF2):c.767G>A (p.Arg256Lys)

Gene: YIPF2 (Yip1 domain family member 2; minus strand). Cytogenetic location: 19p13.2.
Variant type: single nucleotide variant.
Coding change: c.767G>A on transcript NM_001321439.2 (MANE Select); coding-DNA position 767, G replaced by A.
Protein change: p.Arg256Lys; replaces arginine 256 with lysine.
Molecular consequence: missense variant.
Genome position (GRCh38, 1-based): chr19:10,923,562, C>T on the plus strand (G>A on the coding strand, the complement: YIPF2 is on the minus strand). VCF-style: chr19-10923562-C-T. GRCh37 (hg19) VCF-style: chr19-11034238-C-T.
Other names: c.650G>A, p.Arg217Lys (NM_001321440.2); c.767G>A, p.Arg256Lys (NM_024029.5); short protein forms R217K, R256K.
Identifiers: ClinVar variation 4845468 (VCV004845468.1).
Genomic context (GRCh38, chr19:10,923,562, plus strand): 5'-CCCATGGCCAGGAGGGCGTGGAGCAGCACGACCACGGACAGCAGCACTGTGGCCACCAGC[C>T]TGGTGTCCTCACGGACCACGGGCCAGAGGGTGAATACCAGCCCGGCGGCTGACAGGCCCA-3'
Protein context (NP_001308368.1, residues 246-266): TLWPVVREDT[Arg256Lys]LVATVLLSVV

ClinVar aggregate classification (germline): Uncertain significance (1 of 4 stars; one submission).

Submission:

Greenwood Genetic Center Diagnostic Laboratories, Greenwood Genetic Center
Classification: Uncertain significance. Last evaluated: 2025-11-17. Review status: criteria provided, single submitter. Criteria: ACMG Guidelines, 2015. Collection method: clinical testing. Allele origin: germline. Affected: yes.
Comment: Gene of Uncertain Significance